The following is an entry in ClinVar:

ClinVar aggregate classification (germline): Uncertain significance (1 of 4 stars; one submission).

Conditions:
Inborn genetic diseases. Identifiers: MedGen C0950123, MeSH D030342.

Allele frequency attached by ClinVar (database versions not stated): gnomAD exomes below 0.00001.
gnomAD v4.1: 2 of 1,614,220 alleles (0.00012%); highest among the groups gnomAD compares: East Asian, 0.0022%; no homozygotes.

Submission:

Ambry Genetics
Classification: Uncertain significance for Inborn genetic diseases. Last evaluated: 2022-06-12. Review status: criteria provided, single submitter. Criteria: Ambry Variant Classification Scheme 2023. Collection method: clinical testing. Allele origin: germline.
Comment: The p.H1097Y variant (also known as c.3289C>T), located in coding exon 26 of the ABCC8 gene, results from a C to T substitution at nucleotide position 3289. The histidine at codon 1097 is replaced by tyrosine, an amino acid with similar properties. This amino acid position is conserved. In addition, this alteration is predicted to be deleterious by in silico analysis. Since supporting evidence is limited at this time, the clinical significance of this alteration remains unclear.

NM_000352.6(ABCC8):c.3289C>T (p.His1097Tyr)

Gene: ABCC8 (ATP binding cassette subfamily C member 8; minus strand). Cytogenetic location: 11p15.1.
Variant type: single nucleotide variant.
Coding change: c.3289C>T on transcript NM_000352.6 (MANE Select); coding-DNA position 3289, C replaced by T.
Protein change: p.His1097Tyr; replaces histidine 1097 with tyrosine.
Molecular consequence: missense variant. On other transcripts: non-coding transcript variant (1).
Genome position (GRCh38, 1-based): chr11:17,406,662, G>A on the plus strand (C>T on the coding strand, the complement: ABCC8 is on the minus strand). VCF-style: chr11-17406662-G-A. GRCh37 (hg19) VCF-style: chr11-17428209-G-A.
Other names: c.3292C>T, p.His1098Tyr (NM_001287174.3); c.3355C>T, p.His1119Tyr (NM_001351295.2); c.3289C>T, p.His1097Tyr (NM_001351296.2); c.3286C>T, p.His1096Tyr (NM_001351297.2); short protein forms H1098Y, H1119Y, H1096Y, H1097Y.
Identifiers: ClinVar variation 1729810 (VCV001729810.2), dbSNP rs2496527051, ClinGen allele CA379801445.